The following is an entry in ClinVar:

ClinVar aggregate classification (germline): Uncertain significance (1 of 4 stars; one submission).

Conditions:
Fanconi anemia (FA). Also called: Fanconi's anemia. Identifiers: Orphanet 84, MedGen C0015625, MeSH D005199, MONDO:0019391.

Allele frequency attached by ClinVar (database versions not stated): gnomAD exomes below 0.00001.
gnomAD v4.1: 1 of 1,614,056 alleles (0.000062%); highest among the groups gnomAD compares: South Asian, 0.0011%; no homozygotes.

Submission:

Labcorp Genetics (formerly Invitae), Labcorp
Classification: Uncertain significance for Fanconi anemia. Last evaluated: 2022-05-07. Review status: criteria provided, single submitter. Criteria: Invitae Variant Classification Sherloc (09022015). Collection method: clinical testing. Allele origin: germline.
Comment: In summary, the available evidence is currently insufficient to determine the role of this variant in disease. Therefore, it has been classified as a Variant of Uncertain Significance. Algorithms developed to predict the effect of missense changes on protein structure and function are either unavailable or do not agree on the potential impact of this missense change (SIFT: "Tolerated"; PolyPhen-2: "Probably Damaging"; Align-GVGD: "Class C0"). This variant has not been reported in the literature in individuals affected with SLX4-related conditions. This variant is not present in population databases (gnomAD no frequency). This sequence change replaces leucine, which is neutral and non-polar, with phenylalanine, which is neutral and non-polar, at codon 672 of the SLX4 protein (p.Leu672Phe).

NM_032444.4(SLX4):c.2014C>T (p.Leu672Phe)

Gene: SLX4 (SLX4 structure-specific endonuclease subunit; minus strand). Cytogenetic location: 16p13.3.
Variant type: single nucleotide variant.
Coding change: c.2014C>T on transcript NM_032444.4 (MANE Select); coding-DNA position 2014, C replaced by T.
Protein change: p.Leu672Phe; replaces leucine 672 with phenylalanine.
Molecular consequence: missense variant.
Genome position (GRCh38, 1-based): chr16:3,594,599, G>A on the plus strand (C>T on the coding strand, the complement: SLX4 is on the minus strand). VCF-style: chr16-3594599-G-A. GRCh37 (hg19) VCF-style: chr16-3644600-G-A.
Other names: short protein forms L672F.
Identifiers: ClinVar variation 2135071 (VCV002135071.4), dbSNP rs2548216486, ClinGen allele CA394526367.
Genomic context (GRCh38, chr16:3,594,599, plus strand): 5'-CACTCAGGTGTGGGTTATTGACCATGGCGCCAAAGTCAGCAACCAGCAGCCCGAGGGAGA[G>A]CTGAAGCAGGAGGAGAGGAAGAGCCGTCACCTCCCCACCTCTGCTCTGCTAACTGGGCAG-3'
Protein context (NP_115820.2, residues 662-682): KHPDRGGRTL[Leu672Phe]SLGLLVADFG